The following is an entry in ClinVar:

NM_015846.4(MBD1):c.793-131C>T

Gene: MBD1 (methyl-CpG binding domain protein 1; minus strand). Cytogenetic location: 18q21.1.
Variant type: single nucleotide variant.
Coding change: c.793-131C>T on transcript NM_015846.4 (MANE Select); 131 bases into the intron before coding-DNA position 793, C replaced by T.
Molecular consequence: intron variant. On other transcripts: synonymous variant (51).
Genome position (GRCh38, 1-based): chr18:50,275,376, G>A on the plus strand (C>T on the coding strand, the complement: MBD1 is on the minus strand). VCF-style: chr18-50275376-G-A. GRCh37 (hg19) VCF-style: chr18-47801746-G-A.
Other names: c.861C>T, p.Pro287= (NM_001204137.2, NM_001204138.2, NM_001204140.2 and 41 more transcripts); c.354C>T, p.Pro118= (NM_001323949.2, NM_001399959.1, NM_001399965.1); c.939C>T, p.Pro313= (NM_001399880.1); c.714C>T, p.Pro238= (NM_001399917.1, NM_001399929.1, NM_001399955.1); c.646-131C>T (NM_001399961.1, NM_001204141.2, NM_001399938.1 and 2 more transcripts); c.718-131C>T (NM_001399909.1, NM_001399924.1, NM_001323952.2 and 2 more transcripts); c.793-131C>T (NM_001399960.1, NM_001399908.1, NM_001388167.1 and 70 more transcripts); c.286-131C>T (NM_001323953.2, NM_001399973.1, NM_001399971.1 and 8 more transcripts); and 1 more.
Identifiers: ClinVar variation 3053644 (VCV003053644.2), dbSNP rs564204623, ClinGen allele CA8963019.

ClinVar aggregate classification (germline): Likely benign (0 of 4 stars; one submission).

Conditions:
MBD1-related disorder. Also called: MBD1-related condition.

Allele frequency attached by ClinVar (database versions not stated): 1000 Genomes Project 30x 0.00016; 1000 Genomes Project 0.00020; TOPMed 0.00044; gnomAD 0.00048; ExAC 0.00057; gnomAD exomes 0.00081.
gnomAD v4.1: 1,245 of 1,611,116 alleles (0.077%); highest among the groups gnomAD compares: Non-Finnish European, 0.096%; 3 homozygotes.

Submission:

PreventionGenetics, part of Exact Sciences
Classification: Likely benign for MBD1-related condition. Last evaluated: 2019-08-21. Review status: no assertion criteria provided. Collection method: clinical testing. Allele origin: germline.
Comment: This variant is classified as likely benign based on ACMG/AMP sequence variant interpretation guidelines (Richards et al. 2015 PMID: 25741868, with internal and published modifications).